The following is an entry in ClinVar:

ClinVar aggregate classification (germline): Uncertain significance (1 of 4 stars; one submission).

Conditions:
DICER1-related tumor predisposition. Also called: DICER1-related pleuropulmonary blastoma cancer predisposition syndrome; DICER1 syndrome. Identifiers: Orphanet 284343, MedGen C3839822, MONDO:0100216.

Submission:

Labcorp Genetics (formerly Invitae), Labcorp
Classification: Uncertain significance for DICER1-related tumor predisposition. Last evaluated: 2019-11-14. Review status: criteria provided, single submitter. Criteria: Invitae Variant Classification Sherloc (09022015). Collection method: clinical testing. Allele origin: germline.
Comment: This variant is not present in population databases (ExAC no frequency). This variant has not been reported in the literature in individuals with DICER1-related conditions. Algorithms developed to predict the effect of missense changes on protein structure and function are either unavailable or do not agree on the potential impact of this missense change (SIFT: "Tolerated"; PolyPhen-2: "Possibly Damaging"; Align-GVGD: "Class C0"). In summary, the available evidence is currently insufficient to determine the role of this variant in disease. Therefore, it has been classified as a Variant of Uncertain Significance. This sequence change replaces isoleucine with leucine at codon 1644 of the DICER1 protein (p.Ile1644Leu). The isoleucine residue is highly conserved and there is a small physicochemical difference between isoleucine and leucine.

NM_177438.3(DICER1):c.4930A>C (p.Ile1644Leu)

Gene: DICER1 (dicer 1, ribonuclease III; minus strand). Cytogenetic location: 14q32.13.
Variant type: single nucleotide variant.
Coding change: c.4930A>C on transcript NM_177438.3 (MANE Select); coding-DNA position 4930, A replaced by C.
Protein change: p.Ile1644Leu; replaces isoleucine 1644 with leucine.
Molecular consequence: missense variant.
Genome position (GRCh38, 1-based): chr14:95,095,990, T>G on the plus strand (A>C on the coding strand, the complement: DICER1 is on the minus strand). VCF-style: chr14-95095990-T-G. GRCh37 (hg19) VCF-style: chr14-95562327-T-G.
Other names: c.4930A>C, p.Ile1644Leu (NM_001195573.1, NM_001271282.3, NM_001291628.2 and 1 more transcripts); short protein forms I1644L.
Identifiers: ClinVar variation 944729 (VCV000944729.11), dbSNP rs1890280907, ClinGen allele CA390866291.
Genomic context (GRCh38, chr14:95,095,990, plus strand): 5'-ATATAAGGTGATTCAGTGTTTTATCTGCATCTGGATGATCAAACATACATCTTGGTGGAA[T>G]CTTCAAACAACCATATTCCGAGTCTTTCAATACAGAAGAGCGTGAACTGGCCACAGAAGC-3'
Protein context (NP_803187.1, residues 1634-1654): LKDSEYGCLK[Ile1644Leu]PPRCMFDHPD